The following is an entry in ClinVar:

NM_032242.4(PLXNA1):c.2615A>G (p.Glu872Gly)

Gene: PLXNA1 (plexin A1; plus strand). Cytogenetic location: 3q21.3.
Variant type: single nucleotide variant.
Coding change: c.2615A>G on transcript NM_032242.4 (MANE Select); coding-DNA position 2615, A replaced by G.
Protein change: p.Glu872Gly; replaces glutamic acid 872 with glycine.
Molecular consequence: missense variant.
Genome position (GRCh38, 1-based): chr3:127,014,488, A>G. VCF-style: chr3-127014488-A-G. GRCh37 (hg19) VCF-style: chr3-126733331-A-G.
Other names: short protein forms E872G.
Identifiers: ClinVar variation 2745539 (VCV002745539.3), dbSNP rs2472539048, ClinGen allele CA354386668.

ClinVar aggregate classification (germline): Uncertain significance (1 of 4 stars; one submission).

Submission:

Labcorp Genetics (formerly Invitae), Labcorp
Classification: Uncertain significance. Last evaluated: 2024-05-07. Review status: criteria provided, single submitter. Criteria: Invitae Variant Classification Sherloc (09022015). Collection method: clinical testing. Allele origin: germline.
Comment: This sequence change replaces glutamic acid, which is acidic and polar, with glycine, which is neutral and non-polar, at codon 872 of the PLXNA1 protein (p.Glu872Gly). This variant is not present in population databases (gnomAD no frequency). This variant has not been reported in the literature in individuals affected with PLXNA1-related conditions. Advanced modeling of protein sequence and biophysical properties (such as structural, functional, and spatial information, amino acid conservation, physicochemical variation, residue mobility, and thermodynamic stability) performed at Invitae indicates that this missense variant is not expected to disrupt PLXNA1 protein function with a negative predictive value of 80%. In summary, the available evidence is currently insufficient to determine the role of this variant in disease. Therefore, it has been classified as a Variant of Uncertain Significance.